The following is an entry in ClinVar:

NM_001197104.2(KMT2A):c.2551A>G (p.Lys851Glu)

Gene: KMT2A (lysine methyltransferase 2A; plus strand). Cytogenetic location: 11q23.3.
Variant type: single nucleotide variant.
Coding change: c.2551A>G on transcript NM_001197104.2 (MANE Select); coding-DNA position 2551, A replaced by G.
Protein change: p.Lys851Glu; replaces lysine 851 with glutamic acid.
Molecular consequence: missense variant.
Genome position (GRCh38, 1-based): chr11:118,473,710, A>G. VCF-style: chr11-118473710-A-G. GRCh37 (hg19) VCF-style: chr11-118344425-A-G.
Other names: c.2650A>G, p.Lys884Glu (NM_001412597.1); c.2551A>G, p.Lys851Glu (NM_005933.4); short protein forms K851E, K884E.
Identifiers: ClinVar variation 5020782 (VCV005020782.1).

ClinVar aggregate classification (germline): Uncertain significance (1 of 4 stars; one submission).

Submission:

Dasa
Classification: Uncertain significance. Last evaluated: 2025-11-28. Review status: criteria provided, single submitter. Criteria: DASA Assertion Criteria. Collection method: clinical testing. Allele origin: germline.
Comment: NM_001197104.2(KMT2A):c.2551A>G (p.Lys851Glu) is a missense variant that results in the substitution of lysine with glutamic acid. This variant is rare in population databases. Computational prediction algorithms are consistent with a benign effect. The currently available literature and clinical evidence are not sufficient to establish a definitive association between this variant and the reported condition. Therefore, this variant is classified as a variant of uncertain significance.